The following is an entry in ClinVar:

ClinVar aggregate classification (germline): Likely pathogenic. Review status: criteria provided, multiple submitters, no conflicts (2 of 4 stars). 3 submissions from 3 submitters: Likely pathogenic (2). 1 of the submissions does not count toward it. Last evaluated 2025-10-30.

Conditions:
Niemann-Pick disease, type A. Also called: Infantile Neurovisceral ASMD (Niemann-Pick Disease Type A; NPD-A); SPHINGOMYELIN LIPIDOSIS; SPHINGOMYELINASE DEFICIENCY. Identifiers: Orphanet 77292, MedGen C0268242, MONDO:0009756, OMIM 257200. Disease mechanism: loss of function.
Niemann-Pick disease, type B. Also called: Chronic Visceral ASMD (Niemann-Pick Disease Type B; NPD-B). Identifiers: Orphanet 77293, MedGen C0268243, MONDO:0011871, OMIM 607616. Disease mechanism: loss of function.

Allele frequency attached by ClinVar (database versions not stated): TOPMed below 0.00001.
gnomAD v4.1: 1 of 1,614,208 alleles (0.000062%); highest among the groups gnomAD compares: East Asian, 0.0022%; no homozygotes.

Submissions (3):

Natera, Inc.
Classification: Likely pathogenic for Niemann-Pick Disease, Types A/B. Last evaluated: 2025-10-30. Review status: criteria provided, single submitter. Criteria: Natera Variant Classification Schema (03/2026). Collection method: clinical testing. Allele origin: germline.
Comment: The c.1486+5G>C variant in SMPD1 is an intronic variant located outside the canonical splice sites. This variant is rare in the general population with a frequency below the threshold expected for the associated phenotype(s). This variant has been observed in one or more individuals affected with the associated recessive disease, as either homozygous or compound heterozygous with a second variant (PMID: 36873248, 33675270). Computational prediction algorithms indicate this variant is likely to affect gene or protein function. Given the available evidence, this variant is classified as Likely Pathogenic.

Labcorp Genetics (formerly Invitae), Labcorp
Classification: Likely pathogenic for Niemann-Pick disease, type B; Niemann-Pick disease, type A. Last evaluated: 2023-08-08. Review status: criteria provided, single submitter. Criteria: Invitae Variant Classification Sherloc (09022015). Collection method: clinical testing. Allele origin: germline.
Comment: Variants that disrupt the consensus splice site are a relatively common cause of aberrant splicing (PMID: 17576681, 9536098). Algorithms developed to predict the effect of sequence changes on RNA splicing suggest that this variant may disrupt the consensus splice site. ClinVar contains an entry for this variant (Variation ID: 2436206). This variant has been observed in individuals with Niemann-Pick disease (PMID: 23356216, 33675270, 33763395). This variant is present in population databases (no rsID available, gnomAD 0.006%). This sequence change falls in intron 5 of the SMPD1 gene. It does not directly change the encoded amino acid sequence of the SMPD1 protein. It affects a nucleotide within the consensus splice site. In summary, the currently available evidence indicates that the variant is pathogenic, but additional data are needed to prove that conclusively. Therefore, this variant has been classified as Likely Pathogenic.

Revvity Omics, Revvity
Classification: Uncertain significance. Last evaluated: 2020-10-15. Review status: flagged submission. Criteria: ACMG Guidelines, 2015. Collection method: clinical testing. Allele origin: germline. Not counted in ClinVar's aggregate classification.
ClinVar note: Reason: Older claim that does not account for recent evidence

Literature cited by the submitters: PubMed 36873248 (cited by Natera, Inc.); PubMed 33675270 (cited by Natera, Inc. and Labcorp Genetics (formerly Invitae), Labcorp); PubMed 17576681 (cited by Labcorp Genetics (formerly Invitae), Labcorp); PubMed 9536098 (cited by Labcorp Genetics (formerly Invitae), Labcorp); PubMed 23356216 (cited by Labcorp Genetics (formerly Invitae), Labcorp); PubMed 33763395 (cited by Labcorp Genetics (formerly Invitae), Labcorp).

NM_000543.5(SMPD1):c.1486+5G>C

Gene: SMPD1 (sphingomyelin phosphodiesterase 1; plus strand). Cytogenetic location: 11p15.4.
Variant type: single nucleotide variant.
Coding change: c.1486+5G>C on transcript NM_000543.5 (MANE Select); 5 bases into the intron after coding-DNA position 1486, G replaced by C.
Molecular consequence: intron variant.
Genome position (GRCh38, 1-based): chr11:6,394,046, G>C. VCF-style: chr11-6394046-G-C. GRCh37 (hg19) VCF-style: chr11-6415276-G-C.
Other names: c.565+5G>C (NM_001318088.2); c.1354+5G>C (NM_001365135.2); c.1486+5G>C (NM_001318087.2); c.1483+5G>C (NM_001007593.3).
Identifiers: ClinVar variation 2436206 (VCV002436206.7), dbSNP rs1446986999, ClinGen allele CA597438197.